The following is an entry in ClinVar:

ClinVar aggregate classification (germline): Uncertain significance (1 of 4 stars; one submission).

Conditions:
NCOA1-related disorder. Also called: NCOA1-related condition.

gnomAD v4.1: 84 of 1,613,534 alleles (0.0052%); highest among the groups gnomAD compares: Non-Finnish European, 0.0051%; 2 homozygotes.

Submission:

PreventionGenetics, part of Exact Sciences
Classification: Uncertain significance for NCOA1-related condition. Last evaluated: 2024-10-31. Review status: criteria provided, single submitter. Criteria: ACMG Guidelines, 2015. Collection method: clinical testing. Allele origin: germline.
Comment: The NCOA1 c.3731A>G variant is predicted to result in the amino acid substitution p.Asn1244Ser. To our knowledge, this variant has not been reported in the literature. This variant is reported in 0.016% of alleles in individuals of European (Finnish) descent in gnomAD. At this time, the clinical significance of this variant is uncertain due to the absence of conclusive functional and genetic evidence.

NM_003743.5(NCOA1):c.3731A>G (p.Asn1244Ser)

Gene: NCOA1 (nuclear receptor coactivator 1; plus strand). Cytogenetic location: 2p23.3.
Variant type: single nucleotide variant.
Coding change: c.3731A>G on transcript NM_003743.5 (MANE Select); coding-DNA position 3731, A replaced by G.
Protein change: p.Asn1244Ser; replaces asparagine 1244 with serine.
Molecular consequence: missense variant.
Genome position (GRCh38, 1-based): chr2:24,752,006, A>G. VCF-style: chr2-24752006-A-G. GRCh37 (hg19) VCF-style: chr2-24974875-A-G.
Other names: c.3731A>G, p.Asn1244Ser (NM_001362950.1, NM_001362952.1, NM_001362954.1 and 3 more transcripts); short protein forms N1244S.
Identifiers: ClinVar variation 4986896 (VCV004986896.1).
Genomic context (GRCh38, chr2:24,752,006, plus strand): 5'-GTGTATCAACATAAATTAATTTGTGTCAATTTACAGGAATGGTTCCCCAAGGTGAGGCCA[A>G]CTTTGCTCCATCTCTAAGCCCTGGGAGCTCCATGGTGCCGATGCCAATCCCTCCTCCTCA-3'
Protein context (NP_003734.3, residues 1234-1254): GAGMVPQGEA[Asn1244Ser]FAPSLSPGSS